The following is an entry in ClinVar:

ClinVar aggregate classification (germline): Uncertain significance (1 of 4 stars; one submission).

Conditions:
Bardet-Biedl syndrome (BBS). Identifiers: Orphanet 110, MedGen C0752166, MONDO:0015229.

Submission:

Labcorp Genetics (formerly Invitae), Labcorp
Classification: Uncertain significance for Bardet-Biedl syndrome. Last evaluated: 2023-08-02. Review status: criteria provided, single submitter. Criteria: Invitae Variant Classification Sherloc (09022015). Collection method: clinical testing. Allele origin: germline.
Comment: In summary, the available evidence is currently insufficient to determine the role of this variant in disease. Therefore, it has been classified as a Variant of Uncertain Significance. Algorithms developed to predict the effect of sequence changes on RNA splicing suggest that this variant is not likely to affect RNA splicing. ClinVar contains an entry for this variant (Variation ID: 1378984). This variant has not been reported in the literature in individuals affected with BBS9-related conditions. This variant is present in population databases (no rsID available, gnomAD 0.0009%). This sequence change affects codon 234 of the BBS9 mRNA. It is a 'silent' change, meaning that it does not change the encoded amino acid sequence of the BBS9 protein. It affects a nucleotide within the consensus splice site.

NM_198428.3(BBS9):c.702T>A (p.Val234=)

Gene: BBS9 (Bardet-Biedl syndrome 9; plus strand). Cytogenetic location: 7p14.3.
Variant type: single nucleotide variant.
Coding change: c.702T>A on transcript NM_198428.3 (MANE Select); coding-DNA position 702, T replaced by A.
Protein change: p.Val234=; no amino-acid change (valine 234 retained).
Molecular consequence: synonymous variant. On other transcripts: non-coding transcript variant (3).
Genome position (GRCh38, 1-based): chr7:33,264,374, T>A. VCF-style: chr7-33264374-T-A. GRCh37 (hg19) VCF-style: chr7-33303986-T-A.
Other names: c.336T>A, p.Val112= (NM_001348037.3, NM_001348044.3, NM_001348045.3 and 1 more transcripts); c.429T>A, p.Val143= (NM_001348038.3, NM_001348039.3); c.702T>A, p.Val234= (NM_001348040.3, NM_001348041.4, NM_001348043.3 and 5 more transcripts); c.567T>A, p.Val189= (NM_001348042.3).
Identifiers: ClinVar variation 1378984 (VCV001378984.6), dbSNP rs1373479665, ClinGen allele CA454457491.